The following is an entry in ClinVar:

NM_005334.3(HCFC1):c.504-9C>T

Gene: HCFC1 (host cell factor C1; minus strand). Cytogenetic location: Xq28.
Variant type: single nucleotide variant.
Coding change: c.504-9C>T on transcript NM_005334.3 (MANE Select); 9 bases into the intron before coding-DNA position 504, C replaced by T.
Molecular consequence: intron variant.
Genome position (GRCh38, 1-based): chrX:153,963,442, G>A on the plus strand (C>T on the coding strand, the complement: HCFC1 is on the minus strand). VCF-style: chrX-153963442-G-A. GRCh37 (hg19) VCF-style: chrX-153228893-G-A.
Identifiers: ClinVar variation 749223 (VCV000749223.11), dbSNP rs781961920, ClinGen allele CA10557659.

ClinVar aggregate classification (germline): Likely benign. Review status: criteria provided, single submitter (1 of 4 stars). 2 submissions from 2 submitters: Likely benign (1). 1 of the submissions does not count toward it. Last evaluated 2024-11-21.

Conditions:
Methylmalonic acidemia with homocystinuria, type cblX (MAHCX). Also called: INTELLECTUAL DEVELOPMENTAL DISORDER, X-LINKED 3. Identifiers: Orphanet 369962, MedGen C0796208, MONDO:0010657, OMIM 309541.
HCFC1-related disorder. Also called: HCFC1-related condition.

Allele frequency attached by ClinVar (database versions not stated): gnomAD exomes below 0.00001 and 0.00002; TOPMed 0.00002; gnomAD 0.00003; ExAC 0.00001.
gnomAD v4.1: 8 of 1,176,894 alleles (0.00068%); highest among the groups gnomAD compares: Admixed American, 0.013%; no homozygotes.

Submissions (2):

Labcorp Genetics (formerly Invitae), Labcorp
Classification: Likely benign for Methylmalonic acidemia with homocystinuria, type cblX. Last evaluated: 2024-11-21. Review status: criteria provided, single submitter. Criteria: Invitae Variant Classification Sherloc (09022015). Collection method: clinical testing. Allele origin: germline.

PreventionGenetics, part of Exact Sciences
Classification: Likely benign for HCFC1-related condition. Last evaluated: 2020-07-06. Review status: no assertion criteria provided. Collection method: clinical testing. Allele origin: germline. Not counted in ClinVar's aggregate classification.
Comment: This variant is classified as likely benign based on ACMG/AMP sequence variant interpretation guidelines (Richards et al. 2015 PMID: 25741868, with internal and published modifications).